The following is an entry in ClinVar:

ClinVar aggregate classification (germline): Pathogenic/Likely pathogenic. Review status: criteria provided, multiple submitters, no conflicts (2 of 4 stars). 2 submissions from 2 submitters: Pathogenic (1); Likely pathogenic (1). Last evaluated 2026-04-21.

Conditions:
Intellectual developmental disorder with dysmorphic facies and behavioral abnormalities. Identifiers: MedGen C4748135, MONDO:0060760, OMIM 618089.

Submissions (2):

GeneDx
Classification: Likely pathogenic. Last evaluated: 2026-04-21. Review status: criteria provided, single submitter. Criteria: GeneDx Variant Classification Process June 2021. Collection method: clinical testing. Allele origin: germline.
Comment: Has not been previously published as pathogenic or benign to our knowledge; In-frame deletion of 1 amino acid(s) in a non-repeat region; In silico analysis supports a deleterious effect on protein structure/function; Not observed at significant frequency in large population cohorts (gnomAD)

Victorian Clinical Genetics Services, Murdoch Childrens Research Institute
Classification: Pathogenic for Intellectual developmental disorder with dysmorphic facies and behavioral abnormalities. Last evaluated: 2024-10-10. Review status: criteria provided, single submitter. Criteria: ACMG Guidelines, 2015. Collection method: clinical testing. Allele origin: germline. Inheritance: Autosomal dominant inheritance. Affected: yes.
Comment: Based on the classification scheme VCGS_Germline_v1.3.5, this variant is classified as Pathogenic. Following criteria are met: 0102 - Loss of function is a known mechanism of disease in this gene and is associated with intellectual developmental disorder with dysmorphic facies and behavioral abnormalities (MIM#618089). (I) 0107 - This gene is associated with autosomal dominant disease. (I) 0115 - Variants in this gene are known to have variable expressivity. This condition displays variable severity in phenotypes (PMID: 30057029). (I) 0213 - In-frame insertion/deletion in a non-repetitive region that has high conservation. (SP) 0251 - This variant is heterozygous. (I) 0301 - Variant is absent from gnomAD (v2, v3 and v4). (SP) 0603 - Missense variant in a region that is highly intolerant to missense variation (high constraint region in DECIPHER). (SP) 0704 - Another variant comparable to the one identified in this case has limited previous evidence for pathogenicity. A missense variant at the same amino acid (p.Gly550Arg) has been reported as likely pathogenic in ClinVar and as de novo in an individual with a neurodevelopmental disorder (PMID: 30057029). (SP) 0807 - This variant has no previous evidence of pathogenicity. (I) 0905 - No published segregation evidence has been identified for this variant. (I) 1007 - No published functional evidence has been identified for this variant. (SP) Legend: (SP) - Supporting pathogenic, (I) - Information, (SB) - Supporting benign

Literature cited by the submitters: PubMed 30057029 (cited by Victorian Clinical Genetics Services, Murdoch Childrens Research Institute).

NM_001190274.2(FBXO11):c.1646GAG[1] (p.Gly550del)

Gene: FBXO11 (F-box protein 11; minus strand). Cytogenetic location: 2p16.3.
Variant type: Microsatellite.
Coding change: c.1646GAG[1] on transcript NM_001190274.2 (MANE Select); one copy of the 3-base unit GAG starting at c.1646; the reference has two copies in a row; one copy, 3 bases deleted; also written c.1649_1651del.
Protein change: p.Gly550del; deletes glycine 550.
Genome position (GRCh38, 1-based): chr2:47,822,269-47,822,271, CTC deleted on the plus strand (GAG on the coding strand, the reverse complement: FBXO11 is on the minus strand); deleting any 3 consecutive bases within chr2:47,822,269-47,822,276 gives the same sequence; the position shown is the placement nearest the transcript's 3' end. VCF-style (leftmost placement, unchanged base first): chr2-47822268-ACTC-A. GRCh37 (hg19) VCF-style: chr2-48049407-ACTC-A.
Other names: c.1394GAG[1], p.Gly466del (NM_001374325.1, NM_025133.4); c.1649_1651delGAG (NM_001190274.1); c.1649_1651del (NM_001190274.1); short protein forms G466del, G550del.
Identifiers: ClinVar variation 3377013 (VCV003377013.2).